The following is an entry in ClinVar:

NM_005188.4(CBL):c.*513A>G

Gene: CBL (Cbl proto-oncogene; plus strand). Cytogenetic location: 11q23.3.
Variant type: single nucleotide variant.
Coding change: c.*513A>G on transcript NM_005188.4 (MANE Select); 513 bases downstream of the stop codon, A replaced by G.
Molecular consequence: 3 prime UTR variant.
Genome position (GRCh38, 1-based): chr11:119,300,294, A>G. VCF-style: chr11-119300294-A-G. GRCh37 (hg19) VCF-style: chr11-119171004-A-G.
Identifiers: ClinVar variation 302793 (VCV000302793.5), dbSNP rs138124151, ClinGen allele CA10629971.

ClinVar aggregate classification (germline): Benign (1 of 4 stars; one submission).

Conditions:
CBL-related disorder. Also called: NOONAN SYNDROME-LIKE DISORDER WITHOUT JUVENILE MYELOMONOCYTIC LEUKEMIA; CBL MUTATION-ASSOCIATED SYNDROME; CBL SYNDROME. Identifiers: Orphanet 363972, MedGen C3150803, MONDO:0013308, OMIM 613563.

Allele frequency attached by ClinVar (database versions not stated): gnomAD 0.00039 and 0.00078; TOPMed 0.00041; gnomAD exomes 0.00076; 1000 Genomes Project 30x 0.00172; 1000 Genomes Project 0.00200.
gnomAD v4.1: 334 of 433,662 alleles (0.077%); highest among the groups gnomAD compares: South Asian, 0.89%; no homozygotes.

Submission:

Illumina Laboratory Services, Illumina
Classification: Benign for CBL-related disorder. Last evaluated: 2018-01-13. Review status: criteria provided, single submitter. Criteria: ICSL Variant Classification Criteria 13 December 2019. Collection method: clinical testing. Allele origin: germline.
Comment: This variant was observed in the ICSL laboratory as part of a predisposition screen in an ostensibly healthy population. It had not been previously curated by ICSL or reported in the Human Gene Mutation Database (HGMD: prior to June 1st, 2018), and was therefore a candidate for classification through an automated scoring system. Utilizing variant allele frequency, disease prevalence and penetrance estimates, and inheritance mode, an automated score was calculated to assess if this variant is too frequent to cause the disease. Based on the score and internal cut-off values, a variant classified as benign is not then subjected to further curation. The score for this variant resulted in a classification of benign for this disease.